The following is an entry in ClinVar:

ClinVar aggregate classification (germline): Pathogenic (1 of 4 stars; one submission).

Conditions:
Familial cancer of breast. Also called: Hereditary breast cancer; hereditary breast carcinoma; BREAST CANCER, FAMILIAL. Identifiers: Orphanet 227535, MedGen C0346153, MONDO:0016419, OMIM 114480. Disease mechanism: loss of function.

Submission:

Myriad Genetics, Inc.
Classification: Pathogenic for Familial cancer of breast. Last evaluated: 2024-12-17. Review status: criteria provided, single submitter. Criteria: Myriad Autosomal Dominant, Autosomal Recessive and X-Linked Classification Criteria (2023). Collection method: clinical testing. Allele origin: unknown.
Comment: This variant is considered pathogenic. This variant creates a frameshift predicted to result in premature protein truncation.

NM_000465.4(BARD1):c.106dup (p.His36fs)

Gene: BARD1 (BRCA1 associated RING domain 1; minus strand). Cytogenetic location: 2q35.
Variant type: Duplication.
Coding change: c.106dup on transcript NM_000465.4 (MANE Select); coding-DNA position 106, one base duplicated (C; older notation c.106dupC).
Protein change: p.His36fs; shifts the reading frame from histidine 36.
Molecular consequence: frameshift variant. On other transcripts: non-coding transcript variant (3).
Genome position (GRCh38, 1-based): chr2:214,809,464, G duplicated on the plus strand (C on the coding strand, the reverse complement: BARD1 is on the minus strand); the first of 3 consecutive G bases (chr2:214,809,464-214,809,466); duplicating any one gives the same sequence. VCF-style (leftmost placement, unchanged base first): chr2-214809463-T-TG. GRCh37 (hg19) VCF-style: chr2-215674187-T-TG.
Other names: c.106dup, p.His36fs (NM_001282543.2, NM_001282545.2, NM_001282548.2 and 1 more transcripts); short protein forms H36fs.
Identifiers: ClinVar variation 3904679 (VCV003904679.1).
Genomic context (GRCh38, chr2:214,809,463, plus strand): 5'-CGTCTTTACCAACGCGAGCAGCGCAGCAGCTTCTCCAGGCGGTCGAGCGCGGCGCGACTG[T>TG]GGGCCCAGGCACCGCGACCATCCGGTTCCATGGCGGGCGCGGAACGAGGCTCGTTCCCGG-3'